The following is an entry in ClinVar:

ClinVar aggregate classification (germline): Uncertain significance. Review status: criteria provided, multiple submitters, no conflicts (2 of 4 stars). 2 submissions from 2 submitters: Uncertain significance (2). Last evaluated 2026-05-10.

Allele frequency attached by ClinVar (database versions not stated): gnomAD exomes below 0.00001.

Submissions (2):

Ambry Genetics
Classification: Uncertain significance. Last evaluated: 2026-05-10. Review status: criteria provided, single submitter. Criteria: Ambry Variant Classification Scheme 2023. Collection method: clinical testing. Allele origin: germline.

CeGaT Center for Human Genetics Tuebingen
Classification: Uncertain significance. Last evaluated: 2023-06-01. Review status: criteria provided, single submitter. Criteria: CeGaT Center For Human Genetics Tuebingen Variant Classification Criteria Version 2. Collection method: clinical testing. Allele origin: germline. Affected: yes. Observed: 1 variant allele.
Comment: CR1: PM2:Supporting, PM3:Supporting, PP2

NM_000651.6(CR1):c.3689A>G (p.Tyr1230Cys)

Gene: CR1 (complement C3b/C4b receptor 1 (Knops blood group); plus strand). Cytogenetic location: 1q32.2.
Variant type: single nucleotide variant.
Coding change: c.3689A>G on transcript NM_000651.6 (MANE Select); coding-DNA position 3689, A replaced by G.
Protein change: p.Tyr1230Cys; replaces tyrosine 1230 with cysteine.
Molecular consequence: missense variant.
Genome position (GRCh38, 1-based): chr1:207,563,966, A>G. VCF-style: chr1-207563966-A-G. GRCh37 (hg19) VCF-style: chr1-207737311-A-G.
Other names: c.2339A>G (NM_000573.3); c.2339A>G, p.Tyr780Cys (NM_000573.4, NM_001381851.1); short protein forms Y1230C, Y780C.
Identifiers: ClinVar variation 2639872 (VCV002639872.25), dbSNP rs755596402, ClinGen allele CA1369646.